The following is an entry in ClinVar:

NM_001045.6(SLC6A4):c.*2957C>T

Gene: SLC6A4 (solute carrier family 6 member 4; minus strand). Cytogenetic location: 17q11.2.
Variant type: single nucleotide variant.
Coding change: c.*2957C>T on transcript NM_001045.6 (MANE Select); 2957 bases downstream of the stop codon, C replaced by T.
Molecular consequence: 3 prime UTR variant.
Genome position (GRCh38, 1-based): chr17:30,195,499, G>A on the plus strand (C>T on the coding strand, the complement: SLC6A4 is on the minus strand). VCF-style: chr17-30195499-G-A. GRCh37 (hg19) VCF-style: chr17-28522517-G-A.
Identifiers: ClinVar variation 889819 (VCV000889819.5), dbSNP rs142058611, ClinGen allele CA289253903.

ClinVar aggregate classification (germline): Benign. Review status: criteria provided, multiple submitters, no conflicts (2 of 4 stars). 2 submissions from 2 submitters: Benign (2). Last evaluated 2018-01-12.

Conditions:
Behavior disorder. Also called: Behavioral disorder. Identifiers: MedGen C0004930.

Allele frequency attached by ClinVar (database versions not stated): gnomAD 0.01737 and 0.01859; TOPMed 0.01919; 1000 Genomes Project 30x 0.02155; 1000 Genomes Project 0.02276.

Submissions (2):

Illumina Laboratory Services, Illumina
Classification: Benign for Behavior disorder. Last evaluated: 2018-01-12. Review status: criteria provided, single submitter. Criteria: ICSL Variant Classification Criteria 13 December 2019. Collection method: clinical testing. Allele origin: germline.
Comment: This variant was observed in the ICSL laboratory as part of a predisposition screen in an ostensibly healthy population. It had not been previously curated by ICSL or reported in the Human Gene Mutation Database (HGMD: prior to June 1st, 2018), and was therefore a candidate for classification through an automated scoring system. Utilizing variant allele frequency, disease prevalence and penetrance estimates, and inheritance mode, an automated score was calculated to assess if this variant is too frequent to cause the disease. Based on the score and internal cut-off values, a variant classified as benign is not then subjected to further curation. The score for this variant resulted in a classification of benign for this disease.

Breakthrough Genomics
Classification: Benign. Review status: criteria provided, single submitter. Criteria: ACMG Guidelines, 2015. Collection method: not provided. Allele origin: germline. Inheritance: Autosomal dominant inheritance. Affected: yes.